The following is an entry in ClinVar:

ClinVar aggregate classification (germline): Uncertain significance. Review status: criteria provided, multiple submitters, no conflicts (2 of 4 stars). 3 submissions from 3 submitters: Uncertain significance (3). Last evaluated 2024-03-23.

Conditions:
GM3 synthase deficiency (SPDRS). Also called: SALT AND PEPPER DEVELOPMENTAL REGRESSION SYNDROME; SALT AND PEPPER MENTAL RETARDATION SYNDROME; AMISH INFANTILE EPILEPSY SYNDROME. Identifiers: Orphanet 171714, Orphanet 370933, MedGen C1836824, MONDO:0018274, OMIM 609056.

Submissions (3):

Genomic Medicine Center of Excellence, King Faisal Specialist Hospital and Research Centre
Classification: Uncertain significance for GM3 synthase deficiency. Last evaluated: 2024-03-23. Review status: criteria provided, single submitter. Criteria: ACMG Guidelines, 2015. Collection method: clinical testing. Allele origin: germline.

Baylor Genetics
Classification: Uncertain significance for GM3 synthase deficiency. Last evaluated: 2020-06-30. Review status: criteria provided, single submitter. Criteria: ACMG Guidelines, 2015. Collection method: clinical testing. Allele origin: unknown. Affected: yes.
Comment: This variant was determined to be of uncertain significance according to ACMG Guidelines, 2015 [PMID:25741868].

Genomic Research Center, Shahid Beheshti University of Medical Sciences
Classification: Uncertain significance for Salt and pepper developmental regression syndrome. Last evaluated: 2020-05-03. Review status: criteria provided, single submitter. Criteria: ACMG Guidelines, 2015. Collection method: clinical testing. Allele origin: unknown. Affected: yes.

NM_003896.4(ST3GAL5):c.479C>A (p.Pro160His)

Gene: ST3GAL5 (ST3 beta-galactoside alpha-2,3-sialyltransferase 5; minus strand). Cytogenetic location: 2p11.2.
Variant type: single nucleotide variant.
Coding change: c.479C>A on transcript NM_003896.4 (MANE Select); coding-DNA position 479, C replaced by A.
Protein change: p.Pro160His; replaces proline 160 with histidine.
Molecular consequence: missense variant. On other transcripts: 5 prime UTR variant (1).
Genome position (GRCh38, 1-based): chr2:85,848,044, G>T on the plus strand (C>A on the coding strand, the complement: ST3GAL5 is on the minus strand). VCF-style: chr2-85848044-G-T. GRCh37 (hg19) VCF-style: chr2-86075167-G-T.
Other names: c.410C>A, p.Pro137His (NM_001042437.2); c.95C>A, p.Pro32His (NM_001354223.2, NM_001354224.2, NM_001354226.2 and 3 more transcripts); c.395C>A, p.Pro132His (NM_001354227.2, NM_001354229.2, NM_001354238.1); c.-426C>A (NM_001354247.1); c.479C>A, p.Pro160His (NM_001363847.1); short protein forms P160H, P132H, P137H, P32H.
Identifiers: ClinVar variation 522969 (VCV000522969.6), dbSNP rs1553405319, ClinGen allele CA347532393.
Genomic context (GRCh38, chr2:85,848,044, plus strand): 5'-TCTGGCAAGAGTTCCAAGAGGGTCTGGACTTTACTGGAGAACTTCCGGAACCCAAAAGGA[G>T]GATCGTACTTGGACTCAGCTTCACTGTCTTTGGGGGCCTTCTGCACAAAAGGGAGTAAGT-3'
Protein context (NP_003887.3, residues 150-170): KDSEAESKYD[Pro160His]PFGFRKFSSK